The following is an entry in ClinVar:

ClinVar aggregate classification (germline): Pathogenic/Likely pathogenic. Review status: criteria provided, multiple submitters, no conflicts (2 of 4 stars). 5 submissions from 5 submitters: Pathogenic (2); Likely pathogenic (3). Last evaluated 2025-09-09.

Conditions:
Galactosemia. Also called: Galactose intolerance. Identifiers: Orphanet 352, MedGen C0016952, MONDO:0018116, HP:0004919. Disease mechanism: loss of function.
Deficiency of UDPglucose-hexose-1-phosphate uridylyltransferase. Also called: GALACTOSE-1-PHOSPHATE URIDYLYLTRANSFERASE DEFICIENCY; GALT deficiency; Galactosemia, classic; GALACTOSEMIA I; Transferase Deficiency Galactosemia. Identifiers: Orphanet 352, Orphanet 79239, MedGen C0268151, MONDO:0009258, OMIM 230400.

Allele frequency attached by ClinVar (database versions not stated): gnomAD exomes below 0.00001; ExAC 0.00001.

Submissions (5):

Natera, Inc.
Classification: Likely pathogenic for Galactosemia. Last evaluated: 2025-09-09. Review status: criteria provided, single submitter. Criteria: Natera Variant Classification Schema (03/2026). Collection method: clinical testing. Allele origin: germline.
Comment: The c.1001A>G variant in GALT is a missense variant predicted to cause substitution of lysine to arginine at amino acid 334. This variant is rare in the general population with a frequency below the threshold expected for the associated phenotype(s). This variant has been observed in one or more individuals affected with the associated recessive disease, as either homozygous or compound heterozygous with a second variant (PMID: 20863731). This variant has been identified in one or more affected individual with a phenotype highly consistent with the associated gene (PMID: 20863731). Computational prediction algorithms indicate this variant is likely to affect gene or protein function. Given the available evidence, this variant is classified as Likely Pathogenic.

Women's Health and Genetics/Laboratory Corporation of America, LabCorp
Classification: Likely pathogenic for Deficiency of UDPglucose-hexose-1-phosphate uridylyltransferase. Last evaluated: 2025-01-29. Review status: criteria provided, single submitter. Criteria: LabCorp Variant Classification Summary - May 2015. Collection method: clinical testing. Allele origin: germline.
Comment: Variant summary: GALT c.1001A>G (p.Lys334Arg) results in a conservative amino acid change located in the Galactose-1-phosphate uridyl transferase, C-terminal domain (IPR005850) of the encoded protein sequence. Four of five in-silico tools predict a damaging effect of the variant on protein function. The variant allele was found at a frequency of 4e-06 in 251482 control chromosomes. c.1001A>G has been reported in the literature in compound heterozygous individuals affected with Galactosemia (Li_2011, Leslie_1992, Demirbas_2019). These data indicate that the variant is likely to be associated with disease. To our knowledge, no experimental evidence demonstrating an impact on protein function has been reported. The following publications have been ascertained in the context of this evaluation (PMID: 30718057, 1427861, 20863731). ClinVar contains an entry for this variant (Variation ID: 1691431). Based on the evidence outlined above, the variant was classified as likely pathogenic.

Baylor Genetics
Classification: Likely pathogenic for Deficiency of UDPglucose-hexose-1-phosphate uridylyltransferase. Last evaluated: 2024-03-29. Review status: criteria provided, single submitter. Criteria: ACMG Guidelines, 2015. Collection method: clinical testing. Allele origin: unknown.

Labcorp Genetics (formerly Invitae), Labcorp
Classification: Pathogenic for Deficiency of UDPglucose-hexose-1-phosphate uridylyltransferase. Last evaluated: 2023-09-08. Review status: criteria provided, single submitter. Criteria: Invitae Variant Classification Sherloc (09022015). Collection method: clinical testing. Allele origin: germline.
Comment: This sequence change replaces lysine, which is basic and polar, with arginine, which is basic and polar, at codon 334 of the GALT protein (p.Lys334Arg). This variant is present in population databases (rs111033809, gnomAD 0.0009%). This missense change has been observed in individual(s) with galactose-1-phosphate uridylyltransferase deficiency (PMID: 1427861, 20863731). ClinVar contains an entry for this variant (Variation ID: 1691431). Advanced modeling of protein sequence and biophysical properties (such as structural, functional, and spatial information, amino acid conservation, physicochemical variation, residue mobility, and thermodynamic stability) performed at Invitae indicates that this missense variant is expected to disrupt GALT protein function. For these reasons, this variant has been classified as Pathogenic.

Mayo Clinic Laboratories, Mayo Clinic
Classification: Pathogenic. Last evaluated: 2021-06-18. Review status: criteria provided, single submitter. Criteria: ACMG Guidelines, 2015. Collection method: clinical testing. Allele origin: germline.
Comment: PS3, PS4_moderate, PM2, PP3, PP4

Literature cited by the submitters: PubMed 20863731 (cited by 4 submitters); PubMed 30718057 (cited by Women's Health and Genetics/Laboratory Corporation of America, LabCorp); PubMed 1427861 (cited by 3 submitters); PubMed 11261429 (cited by Mayo Clinic Laboratories, Mayo Clinic); PubMed 20008339 (cited by Mayo Clinic Laboratories, Mayo Clinic); PubMed 27005423 (cited by Mayo Clinic Laboratories, Mayo Clinic).

NM_000155.4(GALT):c.1001A>G (p.Lys334Arg)

Gene: GALT (galactose-1-phosphate uridylyltransferase; plus strand). Cytogenetic location: 9p13.3.
Variant type: single nucleotide variant.
Coding change: c.1001A>G on transcript NM_000155.4 (MANE Select); coding-DNA position 1001, A replaced by G.
Protein change: p.Lys334Arg; replaces lysine 334 with arginine.
Molecular consequence: missense variant.
Genome position (GRCh38, 1-based): chr9:34,649,506, A>G. VCF-style: chr9-34649506-A-G. GRCh37 (hg19) VCF-style: chr9-34649503-A-G.
Other names: c.674A>G, p.Lys225Arg (NM_001258332.2); c.1001A>G (NM_000155.3); short protein forms K225R.
Identifiers: ClinVar variation 1691431 (VCV001691431.14), dbSNP rs111033809, ClinGen allele CA259563.